The following is an entry in ClinVar:

NM_004168.4(SDHA):c.1041G>T (p.Met347Ile)

Gene: SDHA (succinate dehydrogenase complex flavoprotein subunit A; plus strand). Cytogenetic location: 5p15.33.
Variant type: single nucleotide variant.
Coding change: c.1041G>T on transcript NM_004168.4 (MANE Select); coding-DNA position 1041, G replaced by T.
Protein change: p.Met347Ile; replaces methionine 347 with isoleucine.
Molecular consequence: missense variant.
Genome position (GRCh38, 1-based): chr5:233,622, G>T. VCF-style: chr5-233622-G-T. GRCh37 (hg19) VCF-style: chr5-233737-G-T.
Other names: c.897G>T, p.Met299Ile (NM_001294332.2); c.1041G>T, p.Met347Ile (NM_001330758.2); short protein forms M299I, M347I.
Identifiers: ClinVar variation 3762480 (VCV003762480.2).

ClinVar aggregate classification (germline): Uncertain significance (1 of 4 stars; one submission).

Conditions:
Mitochondrial complex II deficiency, nuclear type 1. Also called: SUCCINATE CoQ REDUCTASE DEFICIENCY. Identifiers: Orphanet 3208, MedGen C5700310, MONDO:0100294, OMIM 252011.
Pheochromocytoma/paraganglioma syndrome 5. Also called: Paragangliomas 5; SDHA-Related Hereditary Paraganglioma-Pheochromocytoma Syndrome. Identifiers: Orphanet 29072, MedGen C3279992, MONDO:0013602, OMIM 614165.

Submission:

Labcorp Genetics (formerly Invitae), Labcorp
Classification: Uncertain significance for Pheochromocytoma/paraganglioma syndrome 5; Mitochondrial complex II deficiency, nuclear type 1. Last evaluated: 2025-12-01. Review status: criteria provided, single submitter. Criteria: Invitae Variant Classification Sherloc (09022015). Collection method: clinical testing. Allele origin: germline.
Comment: This sequence change replaces methionine, which is neutral and non-polar, with isoleucine, which is neutral and non-polar, at codon 347 of the SDHA protein (p.Met347Ile). This variant is not present in population databases (gnomAD no frequency). This variant has not been reported in the literature in individuals affected with SDHA-related conditions. ClinVar contains an entry for this variant (Variation ID: 3762480). Invitae Evidence Modeling of protein sequence and biophysical properties (such as structural, functional, and spatial information, amino acid conservation, physicochemical variation, residue mobility, and thermodynamic stability) indicates that this missense variant is not expected to disrupt SDHA protein function with a negative predictive value of 95%. In summary, the available evidence is currently insufficient to determine the role of this variant in disease. Therefore, it has been classified as a Variant of Uncertain Significance.